The following is an entry in ClinVar:

ClinVar aggregate classification (germline): Uncertain significance (1 of 4 stars; one submission).

Conditions:
Intellectual developmental disorder, autosomal dominant 1. Also called: MBD5 Haploinsufficiency; Intellectual disability, autosomal dominant 1. Identifiers: Orphanet 228402, MedGen C1969562, MONDO:0007974, OMIM 156200.

gnomAD v4.1: 1 of 1,613,696 alleles (0.000062%); highest among the groups gnomAD compares: African/African-American, 0.0013%; no homozygotes.

Submission:

Labcorp Genetics (formerly Invitae), Labcorp
Classification: Uncertain significance for Intellectual developmental disorder, autosomal dominant 1. Last evaluated: 2023-03-24. Review status: criteria provided, single submitter. Criteria: Invitae Variant Classification Sherloc (09022015). Collection method: clinical testing. Allele origin: germline.
Comment: This sequence change replaces proline, which is neutral and non-polar, with serine, which is neutral and polar, at codon 490 of the MBD5 protein (p.Pro490Ser). This variant is not present in population databases (gnomAD no frequency). This variant has not been reported in the literature in individuals affected with MBD5-related conditions. Advanced modeling of protein sequence and biophysical properties (such as structural, functional, and spatial information, amino acid conservation, physicochemical variation, residue mobility, and thermodynamic stability) performed at Invitae indicates that this missense variant is not expected to disrupt MBD5 protein function. In summary, the available evidence is currently insufficient to determine the role of this variant in disease. Therefore, it has been classified as a Variant of Uncertain Significance.

NM_001378120.1(MBD5):c.1468C>T (p.Pro490Ser)

Gene: MBD5 (methyl-CpG binding domain protein 5; plus strand). Cytogenetic location: 2q23.1.
Variant type: single nucleotide variant.
Coding change: c.1468C>T on transcript NM_001378120.1 (MANE Select); coding-DNA position 1468, C replaced by T.
Protein change: p.Pro490Ser; replaces proline 490 with serine.
Molecular consequence: missense variant.
Genome position (GRCh38, 1-based): chr2:148,469,411, C>T. VCF-style: chr2-148469411-C-T. GRCh37 (hg19) VCF-style: chr2-149226980-C-T.
Other names: c.1468C>T, p.Pro490Ser (NM_018328.5); short protein forms P490S.
Identifiers: ClinVar variation 2788968 (VCV002788968.3), dbSNP rs1165270808, ClinGen allele CA348719750.